The following is an entry in ClinVar:

ClinVar aggregate classification (germline): Uncertain significance (1 of 4 stars; one submission).

Allele frequency attached by ClinVar (database versions not stated): gnomAD exomes below 0.00001 and 0.00001; gnomAD 0.00001; TOPMed 0.00002.

Submission:

GeneDx
Classification: Uncertain significance. Last evaluated: 2017-04-10. Review status: criteria provided, single submitter. Criteria: GeneDx Variant Classification (06012015). Collection method: clinical testing. Allele origin: germline. Affected: yes.
Comment: The E209K variant in the HOXA11 gene has not been reported previously as a pathogenic variant, nor as a benign variant, to our knowledge. The E209K variant is not observed in large population cohorts (Lek et al., 2016; 1000 Genomes Consortium et al., 2015; Exome Variant Server). The E209K variant is a non-conservative amino acid substitution, which is likely to impact secondary protein structure as these residues differ in polarity, charge, size and/or other properties. In addition, this substitution occurs at a position that is conserved across mammalian species. However, in silico analysis is inconsistent in its predictions as to whether or not the variant is damaging to the protein structure/function. We interpret E209K as a variant of uncertain significance.

NM_005523.6(HOXA11):c.625G>A (p.Glu209Lys)

Genes: HOXA11 (homeobox A11; minus strand), LOC107126281 (NUP98-HOXA11 recombination region; plus strand). Cytogenetic location: 7p15.2.
Variant type: single nucleotide variant.
Coding change: c.625G>A on transcript NM_005523.6 (MANE Select); coding-DNA position 625, G replaced by A.
Protein change: p.Glu209Lys; replaces glutamic acid 209 with lysine.
Molecular consequence: missense variant.
Genome position (GRCh38, 1-based): chr7:27,184,520, C>T on the plus strand (G>A on the coding strand, the complement: HOXA11 is on the minus strand). VCF-style: chr7-27184520-C-T. GRCh37 (hg19) VCF-style: chr7-27224139-C-T.
Other names: short protein forms E209K.
Identifiers: ClinVar variation 426639 (VCV000426639.2), dbSNP rs1085307723, ClinGen allele CA367106487.